The following is an entry in ClinVar:

NM_007294.4(BRCA1):c.465del (p.Gln155fs)

Gene: BRCA1 (BRCA1 DNA repair associated; minus strand). Cytogenetic location: 17q21.31.
Variant type: Deletion.
Coding change: c.465del on transcript NM_007294.4 (MANE Select); coding-DNA position 465, one base deleted (A; older notation c.465delA).
Protein change: p.Gln155fs; shifts the reading frame from glutamine 155.
Molecular consequence: frameshift variant. On other transcripts: non-coding transcript variant (1).
Genome position (GRCh38, 1-based): chr17:43,099,857, T deleted on the plus strand (A on the coding strand, the reverse complement: BRCA1 is on the minus strand); the first of 2 consecutive T bases (chr17:43,099,857-43,099,858); deleting either gives the same sequence. VCF-style (leftmost placement, unchanged base first): chr17-43099856-GT-G. GRCh37 (hg19) VCF-style: chr17-41251873-GT-G.
Other names: 583delA; c.465delA (NM_007294.3); c.464delA, p.Gln155Hisfs (NM_007298.4, NM_007304.2, NM_001407598.1 and 96 more transcripts); c.465del, p.Gln155fs (NM_007299.4, NM_007300.4); c.461delA, p.Gln154Hisfs (NM_001407610.1, NM_001407611.1, NM_001407612.1 and 65 more transcripts); c.455delA, p.Gln152Hisfs (NM_001407646.1, NM_001407647.1, NM_001408408.1); c.386delA, p.Gln129Hisfs (NM_001407653.1, NM_001407654.1, NM_001407655.1 and 12 more transcripts); c.383delA, p.Gln128Hisfs (NM_001407659.1, NM_001407660.1, NM_001407661.1 and 6 more transcripts); and 8 more; short protein forms Q155fs, Q108fs.
Identifiers: ClinVar variation 254376 (VCV000254376.17), dbSNP rs1555594954, ClinGen allele CA002948.

ClinVar aggregate classification (germline): Pathogenic. Review status: reviewed by expert panel (3 of 4 stars). 5 submissions from 5 submitters: Pathogenic (1). 4 of the submissions do not count toward it. Last evaluated 2016-09-08.

Conditions:
Hereditary cancer-predisposing syndrome. Also called: Hereditary Cancer Syndrome; Neoplastic Syndromes, Hereditary; Hereditary neoplastic syndrome; Tumor predisposition. Identifiers: Orphanet 140162, MedGen C0027672, MeSH D009386, MONDO:0015356.
Hereditary breast ovarian cancer syndrome. Also called: Hereditary breast and ovarian cancer syndrome (HBOC); Breast and ovarian cancer; Hereditary breast and ovarian cancer syndrome; Hereditary breast and ovarian cancer; BRCA1- and BRCA2-Associated Hereditary Breast and Ovarian Cancer; Hereditary breast and/or ovarian cancer syndrome. Identifiers: Orphanet 145, MedGen C0677776, MeSH D061325, MONDO:0003582. Disease mechanism: loss of function.
Breast-ovarian cancer, familial, susceptibility to, 1 (BROVCA1). Also called: BRCA1 Hereditary Breast and Ovarian Cancer; OVARIAN CANCER, SUSCEPTIBILITY TO. Identifiers: Orphanet 145, MedGen C2676676, MONDO:0011450, OMIM 604370. Disease mechanism: loss of function.

Submissions (5):

Evidence-based Network for the Interpretation of Germline Mutant Alleles (ENIGMA)
Classification: Pathogenic for Breast-ovarian cancer, familial, susceptibility to, 1. Last evaluated: 2016-09-08. Review status: reviewed by expert panel. Criteria: ENIGMA BRCA1/2 Classification Criteria (2015). Collection method: curation. Allele origin: germline.
Comment: Variant allele predicted to encode a truncated non-functional protein.

Labcorp Genetics (formerly Invitae), Labcorp
Classification: Pathogenic for Hereditary breast ovarian cancer syndrome. Last evaluated: 2021-04-20. Review status: criteria provided, single submitter. Criteria: Invitae Variant Classification Sherloc (09022015). Collection method: clinical testing. Allele origin: germline. Not counted in ClinVar's aggregate classification.
Comment: This variant is not present in population databases (ExAC no frequency). This sequence change creates a premature translational stop signal (p.Gln155Hisfs*8) in the BRCA1 gene. It is expected to result in an absent or disrupted protein product. Loss-of-function variants in BRCA1 are known to be pathogenic (PMID: 20104584). This variant has been observed in individual(s) with breast cancer (PMID: 26183948). This variant is also known as c.464delA and c.583delA in the literature. ClinVar contains an entry for this variant (Variation ID: 254376). For these reasons, this variant has been classified as Pathogenic.

Ambry Genetics
Classification: Pathogenic for Hereditary cancer-predisposing syndrome. Last evaluated: 2020-02-25. Review status: criteria provided, single submitter. Criteria: Ambry Variant Classification Scheme 2023. Collection method: clinical testing. Allele origin: germline. Not counted in ClinVar's aggregate classification.
Comment: The c.465delA pathogenic mutation, located in coding exon 6 of the BRCA1 gene, results from a deletion of one nucleotide at nucleotide position 465, causing a translational frameshift with a predicted alternate stop codon (p.Q155Hfs*8). Of note, this alteration is also designated as c.464delA in published literature. In addition to the clinical data presented in the literature, this alteration is expected to result in loss of function by premature protein truncation or nonsense-mediated mRNA decay. As such, this alteration is interpreted as a disease-causing mutation.

Color Diagnostics, LLC DBA Color Health
Classification: Pathogenic for Hereditary cancer-predisposing syndrome. Last evaluated: 2019-10-29. Review status: criteria provided, single submitter. Criteria: ACMG Guidelines, 2015. Collection method: clinical testing. Allele origin: germline. Not counted in ClinVar's aggregate classification.
Comment: This variant deletes 1 nucleotide in exon 7 of the BRCA1 gene, creating a frameshift and premature translation stop signal. This variant is expected to result in an absent or non-functional protein product. Splice site prediction tools suggest that this variant may not impact RNA splicing. To our knowledge, functional studies have not been performed for this variant. This variant has been reported in 1 individual affected with breast cancer (PMID: 26183948). This variant has not been identified in the general population by the Genome Aggregation Database (gnomAD). Loss of BRCA1 function is a known mechanism of disease. Based on the available evidence, this variant is classified as Pathogenic.

Breast Cancer Information Core (BIC) (BRCA1)
Classification: Pathogenic for Breast-ovarian cancer, familial 1. Last evaluated: 2012-11-16. Review status: no assertion criteria provided. Collection method: clinical testing. Allele origin: germline. Affected: yes. Observed: 1 variant allele. Not counted in ClinVar's aggregate classification.

Literature cited by the submitters: PubMed 20104584 (cited by Labcorp Genetics (formerly Invitae), Labcorp); PubMed 26183948 (cited by Labcorp Genetics (formerly Invitae), Labcorp and Ambry Genetics); PubMed 31209999 (cited by Ambry Genetics).